The following is an entry in ClinVar:

NM_000179.3(MSH6):c.2788A>T (p.Lys930Ter)

Gene: MSH6 (mutS homolog 6; plus strand). Cytogenetic location: 2p16.3.
Variant type: single nucleotide variant.
Coding change: c.2788A>T on transcript NM_000179.3 (MANE Select); coding-DNA position 2788, A replaced by T.
Protein change: p.Lys930Ter; replaces lysine 930 with a stop codon.
Molecular consequence: nonsense. On other transcripts: non-coding transcript variant (5), intron variant (2).
Genome position (GRCh38, 1-based): chr2:47,800,771, A>T. VCF-style: chr2-47800771-A-T. GRCh37 (hg19) VCF-style: chr2-48027910-A-T.
Other names: c.2398A>T, p.Lys800Ter (NM_001281492.2); c.1882A>T, p.Lys628Ter (NM_001281493.2, NM_001281494.2, NM_001406811.1 and 6 more transcripts); c.2884A>T, p.Lys962Ter (NM_001406795.1, NM_001406802.1); c.2788A>T, p.Lys930Ter (NM_001406796.1, NM_001406798.1, NM_001406800.1 and 2 more transcripts); c.2491A>T, p.Lys831Ter (NM_001406797.1, NM_001406801.1, NM_001406805.1 and 10 more transcripts); c.2263A>T, p.Lys755Ter (NM_001406799.1, NM_001406806.1, NM_001406807.1); c.2710A>T, p.Lys904Ter (NM_001406804.1); c.2794A>T, p.Lys932Ter (NM_001406813.1); and 4 more; short protein forms K245*, K628*, K755*, K800*, K831*, K874*, K904*, K930*.
Identifiers: ClinVar variation 2583439 (VCV002583439.2), dbSNP rs878853719, ClinGen allele CA346755521.
Genomic context (GRCh38, chr2:47,800,771, plus strand): 5'-AACCGATGGGATACAGCCTTTGACCATGAAAAGGCTCGAAAGACTGGACTTATTACTCCC[A>T]AAGCAGGCTTTGACTCTGATTATGACCAAGCTCTTGCTGACATAAGAGAAAATGAACAGA-3'

ClinVar aggregate classification (germline): Pathogenic (1 of 4 stars; one submission).

Conditions:
Lynch syndrome 5 (LYNCH5). Also called: Colorectal cancer, hereditary nonpolyposis, type 5; Hereditary non-polyposis colorectal cancer, type 5. Identifiers: Orphanet 144, MedGen C1833477, MONDO:0013710, OMIM 614350. Disease mechanism: loss of function.

Submission:

Myriad Genetics, Inc.
Classification: Pathogenic for Lynch syndrome 5. Last evaluated: 2023-06-29. Review status: criteria provided, single submitter. Criteria: Myriad Autosomal Dominant, Autosomal Recessive and X-Linked Classification Criteria (2023). Collection method: clinical testing. Allele origin: unknown.
Comment: This variant is considered pathogenic. This variant creates a termination codon and is predicted to result in premature protein truncation.